The following is an entry in ClinVar:

ClinVar aggregate classification (germline): Uncertain significance. Review status: criteria provided, multiple submitters, no conflicts (2 of 4 stars). 5 submissions from 5 submitters: Uncertain significance (3). 2 of the submissions do not count toward it. Last evaluated 2024-07-16.

Conditions:
Hereditary cancer-predisposing syndrome. Also called: Hereditary neoplastic syndrome; Neoplastic Syndromes, Hereditary; Hereditary Cancer Syndrome; Tumor predisposition. Identifiers: Orphanet 140162, MedGen C0027672, MeSH D009386, MONDO:0015356.
Familial cancer of breast. Also called: Hereditary breast cancer; BREAST CANCER, FAMILIAL; hereditary breast carcinoma. Identifiers: Orphanet 227535, MedGen C0346153, MONDO:0016419, OMIM 114480. Disease mechanism: loss of function.

Submissions (5):

Ambry Genetics
Classification: Uncertain significance for Hereditary cancer-predisposing syndrome. Last evaluated: 2024-07-16. Review status: criteria provided, single submitter. Criteria: Ambry Variant Classification Scheme 2023. Collection method: clinical testing. Allele origin: germline.
Comment: The p.L936S variant (also known as c.2807T>C), located in coding exon 8 of the PALB2 gene, results from a T to C substitution at nucleotide position 2807. The leucine at codon 936 is replaced by serine, an amino acid with dissimilar properties. This alteration was found to be functionally normal in a homology-directed DNA repair (HDR) assay (Wiltshire T et al. Genet Med, 2020 Mar;22:622-632). This amino acid position is highly conserved in available vertebrate species. In addition, the in silico prediction for this alteration is inconclusive. Based on the available evidence, the clinical significance of this variant remains unclear.

Labcorp Genetics (formerly Invitae), Labcorp
Classification: Uncertain significance for Familial cancer of breast. Last evaluated: 2022-01-03. Review status: criteria provided, single submitter. Criteria: Invitae Variant Classification Sherloc (09022015). Collection method: clinical testing. Allele origin: germline.
Comment: In summary, the available evidence is currently insufficient to determine the role of this variant in disease. Therefore, it has been classified as a Variant of Uncertain Significance. Experimental studies have shown that this missense change does not substantially affect PALB2 function (PMID: 31636395). Algorithms developed to predict the effect of missense changes on protein structure and function (SIFT, PolyPhen-2, Align-GVGD) all suggest that this variant is likely to be disruptive. ClinVar contains an entry for this variant (Variation ID: 128134). This variant has not been reported in the literature in individuals affected with PALB2-related conditions. This variant is not present in population databases (gnomAD no frequency). This sequence change replaces leucine, which is neutral and non-polar, with serine, which is neutral and polar, at codon 936 of the PALB2 protein (p.Leu936Ser).

GeneDx
Classification: Uncertain significance. Last evaluated: 2014-03-19. Review status: criteria provided, single submitter. Criteria: GeneDx Variant Classification (06012015). Collection method: clinical testing. Allele origin: germline. Affected: yes.
Comment: This variant is denoted PALB2 c.2807T>C at the cDNA level, p.Leu936Ser (L936S) at the protein level, and results in the change of a Leucine to a Serine (TTG>TCG). This variant has not, to our knowledge, been published in the literature as pathogenic or benign. PALB2 Leu936Ser was not observed in approximately 6,500 individuals of European and African American ancestry in the NHLBI Exome Sequencing Project, indicating it is not a common benign variant in these populations. Since Leucine and Serine differ in polarity, charge, size or other properties, this is considered a non-conservative amino acid substitution and is likely to affect protein integrity. PALB2 Leu936Ser occurs at a position that is well conserved across species and is located in within the region responsible for interaction with RAD51 and BRCA2 (UniProt). In silico analyses predict that this variant is probably damaging to protein structure and function. Based on currently available information, it is unclear whether PALB2 Leu936Ser is pathogenic or benign. We consider it to be a variant of uncertain significance.

Diagnostic Laboratory, Department of Genetics, University Medical Center Groningen
Classification: Uncertain significance. Review status: no assertion criteria provided. Collection method: clinical testing. Allele origin: germline. Affected: yes. Study: VKGL Data-share Consensus. Not counted in ClinVar's aggregate classification.

Joint Genome Diagnostic Labs from Nijmegen and Maastricht, Radboudumc and MUMC+
Classification: Uncertain significance. Review status: no assertion criteria provided. Collection method: clinical testing. Allele origin: germline. Affected: yes. Study: VKGL Data-share Consensus. Not counted in ClinVar's aggregate classification.

Literature cited by the submitters: PubMed 31636395 (cited by Ambry Genetics and Labcorp Genetics (formerly Invitae), Labcorp).

NM_024675.4(PALB2):c.2807T>C (p.Leu936Ser)

Gene: PALB2 (partner and localizer of BRCA2; minus strand). Cytogenetic location: 16p12.2.
Variant type: single nucleotide variant.
Coding change: c.2807T>C on transcript NM_024675.4 (MANE Select); coding-DNA position 2807, T replaced by C.
Protein change: p.Leu936Ser; replaces leucine 936 with serine.
Molecular consequence: missense variant.
Genome position (GRCh38, 1-based): chr16:23,624,036, A>G on the plus strand (T>C on the coding strand, the complement: PALB2 is on the minus strand). VCF-style: chr16-23624036-A-G. GRCh37 (hg19) VCF-style: chr16-23635357-A-G.
Other names: p.L936S:TTG>TCG; short protein forms L936S.
Identifiers: ClinVar variation 128134 (VCV000128134.15), dbSNP rs587780213, ClinGen allele CA288451.